The following is an entry in ClinVar:

NM_001080453.3(INTS1):c.6523G>A (p.Ala2175Thr)

Gene: INTS1 (integrator complex subunit 1; minus strand). Cytogenetic location: 7p22.3.
Variant type: single nucleotide variant.
Coding change: c.6523G>A on transcript NM_001080453.3 (MANE Select); coding-DNA position 6523, G replaced by A.
Protein change: p.Ala2175Thr; replaces alanine 2175 with threonine.
Molecular consequence: missense variant.
Genome position (GRCh38, 1-based): chr7:1,470,627, C>T on the plus strand (G>A on the coding strand, the complement: INTS1 is on the minus strand). VCF-style: chr7-1470627-C-T. GRCh37 (hg19) VCF-style: chr7-1510263-C-T.
Other names: short protein forms A2175T.
Identifiers: ClinVar variation 1695545 (VCV001695545.6), dbSNP rs370940992, ClinGen allele CA4117912.

ClinVar aggregate classification (germline): Uncertain significance. Review status: criteria provided, multiple submitters, no conflicts (2 of 4 stars). 2 submissions from 2 submitters: Uncertain significance (2). Last evaluated 2025-07-03.

Conditions:
Inborn genetic diseases. Identifiers: MedGen C0950123, MeSH D030342.

Allele frequency attached by ClinVar (database versions not stated): ESP Exome Variant Server 0.00040; gnomAD 0.00046 and 0.00044; ExAC 0.00034; gnomAD exomes 0.00012; 1000 Genomes Project 0.00060; 1000 Genomes Project 30x 0.00062; TOPMed 0.00049.
gnomAD v4.1: 157 of 1,587,974 alleles (0.0099%); highest among the groups gnomAD compares: African/African-American, 0.13%; no homozygotes.

Submissions (2):

GeneDx
Classification: Uncertain significance. Last evaluated: 2025-07-03. Review status: criteria provided, single submitter. Criteria: GeneDx Variant Classification Process June 2021. Collection method: clinical testing. Allele origin: germline. Affected: yes.
Comment: In silico analysis supports that this missense variant does not alter protein structure/function; Has not been previously published as pathogenic or benign to our knowledge

Ambry Genetics
Classification: Uncertain significance for Inborn genetic diseases. Last evaluated: 2021-10-05. Review status: criteria provided, single submitter. Criteria: Ambry Variant Classification Scheme 2023. Collection method: clinical testing. Allele origin: germline.